The following is an entry in ClinVar:

ClinVar aggregate classification (germline): Uncertain significance (1 of 4 stars; one submission).

Conditions:
Intellectual developmental disorder, autosomal dominant 6, with or without seizures. Also called: GRIN2B-related developmental delay, intellectual disability and autism spectrum disorder; Intellectual disability, autosomal dominant 6. Identifiers: Orphanet 589547, MedGen C3151411, MONDO:0013509, OMIM 613970.
Developmental and epileptic encephalopathy, 27 (DEE27). Also called: Epileptic encephalopathy, early infantile, 27; GRIN2B-Related Neurodevelopmental Disorder. Identifiers: Orphanet 3451, MedGen C4015316, MONDO:0014505, OMIM 616139.

Allele frequency attached by ClinVar (database versions not stated): gnomAD exomes below 0.00001.
gnomAD v4.1: 1 of 1,613,898 alleles (0.000062%); no homozygotes.

Submission:

Labcorp Genetics (formerly Invitae), Labcorp
Classification: Uncertain significance for Developmental and epileptic encephalopathy, 27; Intellectual developmental disorder, autosomal dominant 6, with or without seizures. Last evaluated: 2023-02-04. Review status: criteria provided, single submitter. Criteria: Invitae Variant Classification Sherloc (09022015). Collection method: clinical testing. Allele origin: germline.
Comment: This variant is not present in population databases (gnomAD no frequency). This variant has not been reported in the literature in individuals affected with GRIN2B-related conditions. Advanced modeling of protein sequence and biophysical properties (such as structural, functional, and spatial information, amino acid conservation, physicochemical variation, residue mobility, and thermodynamic stability) has been performed at Invitae for this missense variant, however the output from this modeling did not meet the statistical confidence thresholds required to predict the impact of this variant on GRIN2B protein function. In summary, the available evidence is currently insufficient to determine the role of this variant in disease. Therefore, it has been classified as a Variant of Uncertain Significance. This sequence change replaces isoleucine, which is neutral and non-polar, with phenylalanine, which is neutral and non-polar, at codon 160 of the GRIN2B protein (p.Ile160Phe).

NM_000834.5(GRIN2B):c.478A>T (p.Ile160Phe)

Gene: GRIN2B (glutamate ionotropic receptor NMDA type subunit 2B; minus strand). Cytogenetic location: 12p13.1.
Variant type: single nucleotide variant.
Coding change: c.478A>T on transcript NM_000834.5 (MANE Select); coding-DNA position 478, A replaced by T.
Protein change: p.Ile160Phe; replaces isoleucine 160 with phenylalanine.
Molecular consequence: missense variant.
Genome position (GRCh38, 1-based): chr12:13,753,849, T>A on the plus strand (A>T on the coding strand, the complement: GRIN2B is on the minus strand). VCF-style: chr12-13753849-T-A. GRCh37 (hg19) VCF-style: chr12-13906783-T-A.
Other names: c.478A>T, p.Ile160Phe (NM_001413992.1, NM_001413993.1, NM_001413994.1 and 1 more transcripts); short protein forms I160F.
Identifiers: ClinVar variation 2943957 (VCV002943957.3), dbSNP rs2497778365, ClinGen allele CA384054702.